The following is an entry in ClinVar:

NM_001369369.1(FOXN1):c.374C>T (p.Pro125Leu)

Gene: FOXN1 (forkhead box N1; plus strand). Cytogenetic location: 17q11.2.
Variant type: single nucleotide variant.
Coding change: c.374C>T on transcript NM_001369369.1 (MANE Select); coding-DNA position 374, C replaced by T.
Protein change: p.Pro125Leu; replaces proline 125 with leucine.
Molecular consequence: missense variant.
Genome position (GRCh38, 1-based): chr17:28,524,753, C>T. VCF-style: chr17-28524753-C-T. GRCh37 (hg19) VCF-style: chr17-26851771-C-T.
Other names: c.374C>T (NM_003593.2); c.374C>T, p.Pro125Leu (NM_003593.3); short protein forms P125L.
Identifiers: ClinVar variation 1413644 (VCV001413644.7), dbSNP rs781127331, ClinGen allele CA8459210.
Genomic context (GRCh38, chr17:28,524,753, plus strand): 5'-AGGAGGCCGCAGCAAGCAGCCCTGGGCGATTCCTCAAGGGCAGCCACGCGCCCTTCCACC[C>T]GTACAAGCGGCCTTTCCATGAGGACGTCTTCCCAGAGGCCGAGACCACCCTGGCCCTCAA-3'
Protein context (NP_001356298.1, residues 115-135): FLKGSHAPFH[Pro125Leu]YKRPFHEDVF

ClinVar aggregate classification (germline): Uncertain significance. Review status: criteria provided, multiple submitters, no conflicts (2 of 4 stars). 2 submissions from 2 submitters: Uncertain significance (2). Last evaluated 2023-08-05.

Conditions:
T-cell immunodeficiency, congenital alopecia, and nail dystrophy. Also called: Congenital alopecia and nail dystrophy associated with severe functional T-cell immunodeficiency; Pignata Guarino syndrome. Identifiers: Orphanet 169095, MedGen C1866426, MONDO:0011132, OMIM 601705.
Inborn genetic diseases. Identifiers: MedGen C0950123, MeSH D030342.

Allele frequency attached by ClinVar (database versions not stated): TOPMed below 0.00001; ExAC 0.00001; gnomAD 0.00003; gnomAD exomes 0.00003.

Submissions (2):

Ambry Genetics
Classification: Uncertain significance for Inborn genetic diseases. Last evaluated: 2023-08-05. Review status: criteria provided, single submitter. Criteria: Ambry Variant Classification Scheme 2023. Collection method: clinical testing. Allele origin: germline.

Labcorp Genetics (formerly Invitae), Labcorp
Classification: Uncertain significance for T-cell immunodeficiency, congenital alopecia, and nail dystrophy. Last evaluated: 2021-08-26. Review status: criteria provided, single submitter. Criteria: Invitae Variant Classification Sherloc (09022015). Collection method: clinical testing. Allele origin: germline.
Comment: This sequence change replaces proline with leucine at codon 125 of the FOXN1 protein (p.Pro125Leu). The proline residue is highly conserved and there is a moderate physicochemical difference between proline and leucine. This variant is present in population databases (rs781127331, ExAC 0.02%). This variant has not been reported in the literature in individuals affected with FOXN1-related conditions. Algorithms developed to predict the effect of missense changes on protein structure and function are either unavailable or do not agree on the potential impact of this missense change (SIFT: "Tolerated"; PolyPhen-2: "Benign"; Align-GVGD: "Class C25"). In summary, the available evidence is currently insufficient to determine the role of this variant in disease. Therefore, it has been classified as a Variant of Uncertain Significance.